The following is an entry in ClinVar:

ClinVar aggregate classification (germline): Uncertain significance (1 of 4 stars; one submission).

Submission:

Dasa
Classification: Uncertain significance. Last evaluated: 2025-09-01. Review status: criteria provided, single submitter. Criteria: DASA Assertion Criteria. Collection method: clinical testing. Allele origin: germline.
Comment: NM_139119.3(YY1AP1):c.2090_2103dup (p.Val702Profs*7) is a frameshift variant in YY1AP1 predicted to alter the reading frame and introduce a premature termination codon and is predicted to result in an absent or altered protein product. This variant is rare in population databases. The currently available literature and clinical evidence are not sufficient to establish a definitive association between this variant and the reported condition. Therefore, this variant is classified as a variant of uncertain significance.

NM_139119.3(YY1AP1):c.2090_2103dup (p.Val702fs)

Gene: YY1AP1 (YY1 associated protein 1; minus strand). Cytogenetic location: 1q22.
Variant type: Duplication.
Coding change: c.2090_2103dup on transcript NM_139119.3 (MANE Select); coding-DNA positions 2090 to 2103, 14 bases duplicated (CCTATCGCTGGACC).
Protein change: p.Val702fs; shifts the reading frame from valine 702.
Molecular consequence: frameshift variant. On other transcripts: 3 prime UTR variant (1).
Genome position (GRCh38, 1-based): chr1:155,659,807-155,659,820, GGTCCAGCGATAGG duplicated on the plus strand (CCTATCGCTGGACC on the coding strand, the reverse complement: YY1AP1 is on the minus strand). VCF-style (leftmost placement, unchanged base first): chr1-155659806-C-CGGTCCAGCGATAGG. GRCh37 (hg19) VCF-style: chr1-155629597-C-CGGTCCAGCGATAGG.
Other names: c.2030_2043dup, p.Val682fs (NM_001198905.2); c.*1033_*1046dup (NM_001198906.2); c.2057_2070dup, p.Val691fs (NM_018253.4, NM_001198899.2, NM_001198900.2); c.2228_2241dup, p.Val748fs (NM_139118.3); c.1892_1905dup, p.Val636fs (NM_139121.3); c.2090_2103dup, p.Val702fs (NM_001198901.2, NM_001198902.2); c.2504_2517dup, p.Val840fs (NM_001198903.1); c.2444_2457dup, p.Val820fs (NM_001198904.1); short protein forms V636fs, V682fs, V691fs, V702fs, V748fs, V820fs, V840fs.
Identifiers: ClinVar variation 4886368 (VCV004886368.2).